The following is an entry in ClinVar:

NM_016213.5(TRIP4):c.1474C>T (p.Arg492Cys)

Gene: TRIP4 (thyroid hormone receptor interactor 4; plus strand). Cytogenetic location: 15q22.31.
Variant type: single nucleotide variant.
Coding change: c.1474C>T on transcript NM_016213.5 (MANE Select); coding-DNA position 1474, C replaced by T.
Protein change: p.Arg492Cys; replaces arginine 492 with cysteine.
Molecular consequence: missense variant. On other transcripts: non-coding transcript variant (1).
Genome position (GRCh38, 1-based): chr15:64,424,146, C>T. VCF-style: chr15-64424146-C-T. GRCh37 (hg19) VCF-style: chr15-64716345-C-T.
Other names: c.784C>T, p.Arg262Cys (NM_001321924.2); c.1474C>T (NM_016213.4); short protein forms R262C, R492C.
Identifiers: ClinVar variation 2197581 (VCV002197581.2), dbSNP rs141545012, ClinGen allele CA7609668.

ClinVar aggregate classification (germline): Uncertain significance. Review status: criteria provided, multiple submitters, no conflicts (2 of 4 stars). 2 submissions from 2 submitters: Uncertain significance (2). Last evaluated 2025-07-01.

Conditions:
Inborn genetic diseases. Identifiers: MedGen C0950123, MeSH D030342.

Allele frequency attached by ClinVar (database versions not stated): ExAC 0.00003; gnomAD 0.00016; TOPMed 0.00018; ESP Exome Variant Server 0.00038.

Submissions (2):

Ambry Genetics
Classification: Uncertain significance for Inborn genetic diseases. Last evaluated: 2025-07-01. Review status: criteria provided, single submitter. Criteria: Ambry Variant Classification Scheme 2023. Collection method: clinical testing. Allele origin: germline.

Labcorp Genetics (formerly Invitae), Labcorp
Classification: Uncertain significance. Last evaluated: 2022-07-13. Review status: criteria provided, single submitter. Criteria: Invitae Variant Classification Sherloc (09022015). Collection method: clinical testing. Allele origin: germline.
Comment: This sequence change replaces arginine, which is basic and polar, with cysteine, which is neutral and slightly polar, at codon 492 of the TRIP4 protein (p.Arg492Cys). This variant is present in population databases (rs141545012, gnomAD 0.04%). This variant has not been reported in the literature in individuals affected with TRIP4-related conditions. Algorithms developed to predict the effect of missense changes on protein structure and function (SIFT, PolyPhen-2, Align-GVGD) all suggest that this variant is likely to be tolerated. In summary, the available evidence is currently insufficient to determine the role of this variant in disease. Therefore, it has been classified as a Variant of Uncertain Significance.